The following is an entry in ClinVar:

NM_001035.3(RYR2):c.8076G>A (p.Gln2692=)

Gene: RYR2 (ryanodine receptor 2; plus strand). Cytogenetic location: 1q43.
Variant type: single nucleotide variant.
Coding change: c.8076G>A on transcript NM_001035.3 (MANE Select); coding-DNA position 8076, G replaced by A.
Protein change: p.Gln2692=; no amino-acid change (glutamine 2692 retained).
Molecular consequence: synonymous variant.
Genome position (GRCh38, 1-based): chr1:237,655,931, G>A. VCF-style: chr1-237655931-G-A. GRCh37 (hg19) VCF-style: chr1-237819231-G-A.
Other names: c.8076G>A (NM_001035.2).
Identifiers: ClinVar variation 924025 (VCV000924025.13), dbSNP rs1425029026, ClinGen allele CA423820608.

ClinVar aggregate classification (germline): Likely benign. Review status: criteria provided, multiple submitters, no conflicts (2 of 4 stars). 4 submissions from 4 submitters: Likely benign (4). Last evaluated 2025-12-19.

Conditions:
Cardiovascular phenotype. Identifiers: MedGen CN230736.
Cardiomyopathy (CMYO). Also called: Cardiomyopathies. Identifiers: Orphanet 167848, MedGen C0878544, MONDO:0004994, HP:0001638. Inheritance: Various modes of inheritance.
Catecholaminergic polymorphic ventricular tachycardia 1. Also called: VENTRICULAR TACHYCARDIA, STRESS-INDUCED POLYMORPHIC 1; VENTRICULAR TACHYCARDIA, CATECHOLAMINERGIC POLYMORPHIC, 1, WITH OR WITHOUT ATRIAL DYSFUNCTION AND/OR DILATED CARDIOMYOPATHY; RYR2-Related Catecholaminergic Polymorphic Ventricular Tachycardia. Identifiers: Orphanet 3286, MedGen C1631597, MONDO:0011484, OMIM 604772.
Catecholaminergic polymorphic ventricular tachycardia (CVPT). Also called: Catecholamine-induced polymorphic ventricular tachycardia. Identifiers: Orphanet 3286, MedGen C5574922, MONDO:0017990.

Allele frequency attached by ClinVar (database versions not stated): gnomAD exomes below 0.00001.
gnomAD v4.1: 2 of 1,613,304 alleles (0.00012%); highest among the groups gnomAD compares: Non-Finnish European, 0.00017%; no homozygotes.

Submissions (4):

Ambry Genetics
Classification: Likely benign for Cardiovascular phenotype. Last evaluated: 2025-12-19. Review status: criteria provided, single submitter. Criteria: Ambry Variant Classification Scheme 2023. Collection method: clinical testing. Allele origin: germline.

Labcorp Genetics (formerly Invitae), Labcorp
Classification: Likely benign for Catecholaminergic polymorphic ventricular tachycardia 1. Last evaluated: 2025-02-02. Review status: criteria provided, single submitter. Criteria: Invitae Variant Classification Sherloc (09022015). Collection method: clinical testing. Allele origin: germline.

All of Us Research Program, National Institutes of Health
Classification: Likely benign for Catecholaminergic polymorphic ventricular tachycardia. Last evaluated: 2023-03-23. Review status: criteria provided, single submitter. Criteria: ACMG Guidelines, 2015. Collection method: clinical testing. Allele origin: germline. Inheritance: Autosomal dominant inheritance. Observed: 1 variant allele, 1 heterozygote.
Comment: This study involves interpretation of variants in research participants for the purpose of population health screening. Participant phenotype was not available at the time of variant classification. Additional details can be found in publication PMID: 35346344, PMCID: PMC8962531

Color Diagnostics, LLC DBA Color Health
Classification: Likely benign for Cardiomyopathy. Last evaluated: 2019-06-18. Review status: criteria provided, single submitter. Criteria: ACMG Guidelines, 2015. Collection method: clinical testing. Allele origin: germline.